The following is an entry in ClinVar:

ClinVar aggregate classification (germline): Likely pathogenic. Review status: reviewed by expert panel (3 of 4 stars). 6 submissions from 6 submitters: Likely pathogenic (1). 5 of the submissions do not count toward it. Last evaluated 2026-08-27.

Conditions:
BRCA2-related cancer predisposition. Identifiers: MedGen CN377758, MONDO:0700269.
Hereditary cancer-predisposing syndrome. Also called: Tumor predisposition; Neoplastic Syndromes, Hereditary; Hereditary Cancer Syndrome; Hereditary neoplastic syndrome. Identifiers: Orphanet 140162, MedGen C0027672, MeSH D009386, MONDO:0015356.
Hereditary breast ovarian cancer syndrome. Also called: Hereditary breast and ovarian cancer; Hereditary breast and ovarian cancer syndrome (HBOC); Hereditary breast and/or ovarian cancer syndrome; Hereditary breast and ovarian cancer syndrome; Breast and ovarian cancer; BRCA1- and BRCA2-Associated Hereditary Breast and Ovarian Cancer. Identifiers: Orphanet 145, MedGen C0677776, MeSH D061325, MONDO:0003582. Disease mechanism: loss of function.

Allele frequency attached by ClinVar (database versions not stated): TOPMed below 0.00001.

Submissions (6):

ClinGen ENIGMA BRCA1 and BRCA2 Variant Curation Expert Panel, ClinGen
Classification: Likely pathogenic for BRCA2-related cancer predisposition. Last evaluated: 2026-08-27. Review status: reviewed by expert panel. Criteria: CSpec BRCA1/2ACMG Rules Specifications V1.2. Collection method: curation. Allele origin: germline. Inheritance: Autosomal dominant inheritance.
Comment: The c.7795G>A variant in BRCA2 is a missense variant predicted to cause substitution of Glutamic Acid by Lysine at amino acid 2599 (p.(Glu2599Lys)). This variant is absent from gnomAD v4.1 (read depth ≥25x in >90% samples, PM2_Supporting met). Reported by three calibrated studies to exhibit protein function similar to pathogenic control variants (PMIDs:38417439, 39779857, 39779848) (PS3 met). This BRCA2 missense variant is within a key functional domain. The computational predictor BayesDel (noAF) gives a score of 0.25, indicating that impact on BRCA2 function via protein change is unclear (score range 0.18-0.30) and the SpliceAI score of 0.17 indicates an unclear predicted impact on splicing (score range 0.10-0.20) (no bioinformatic code is applied). They were compound heterozygous for the variant and a pathogenic or likely pathogenic variant (BRCA2:c.7890_7891dup, p.Leu2631HisfsTer18) inferred to be in trans, phase was unknown. Total points equated to 1 (PM3_Supporting met; PMID: 23285130). In summary, this variant meets the criteria to be classified as a Likely pathogenic variant for BRCA2-related cancer predisposition based on the ACMG/AMP criteria applied as specified by the ENIGMA BRCA1/2 VCEP (PM2_Supporting, PS3, PM3_Supporting).

Women's Health and Genetics/Laboratory Corporation of America, LabCorp
Classification: Uncertain significance. Last evaluated: 2026-02-06. Review status: criteria provided, single submitter. Criteria: LabCorp Variant Classification Summary - May 2015. Collection method: clinical testing. Allele origin: germline. Not counted in ClinVar's aggregate classification.
Comment: Variant summary: BRCA2 c.7795G>A (p.Glu2599Lys) results in a conservative amino acid change in the encoded protein sequence. Algorithms developed to predict the effect of missense changes on protein structure and function are either unavailable or do not agree on the potential impact of this missense change. The variant was absent in 251342 control chromosomes. c.7795G>A has been observed in individuals affected prostate cancer, triple negative breast cancer, unspecified pediatric cancer, and Fancomi anemia with presence of second variant(s), without phase information (e.g. Kote-Jarai_2011, Knies_2012, Muendlein_2015, Daugs_2025). These report(s) do not provide unequivocal conclusions about association of the variant with Hereditary Breast And Ovarian Cancer Syndrome. At least one publication reports experimental evidence evaluating an impact on protein function, showing significantly reduced DNA repair activity measured by HDR assay (Hu_2024). The following publications have been ascertained in the context of this evaluation (PMID: 40857049, 38417439, 23285130, 21952622, 25971625). ClinVar contains an entry for this variant (Variation ID: 231552). Based on the evidence outlined above, the variant was classified as VUS-possibly pathogenic.

Labcorp Genetics (formerly Invitae), Labcorp
Classification: Uncertain significance for Hereditary breast ovarian cancer syndrome. Last evaluated: 2025-08-05. Review status: criteria provided, single submitter. Criteria: Invitae Variant Classification Sherloc (09022015). Collection method: clinical testing. Allele origin: germline. Not counted in ClinVar's aggregate classification.
Comment: This sequence change replaces glutamic acid, which is acidic and polar, with lysine, which is basic and polar, at codon 2599 of the BRCA2 protein (p.Glu2599Lys). This variant is not present in population databases (gnomAD no frequency). This missense change has been observed in individual(s) with prostate cancer or breast cancer and Fanconi anemia (PMID: 21952622, 23285130, 25971625). ClinVar contains an entry for this variant (Variation ID: 231552). Invitae Evidence Modeling of protein sequence and biophysical properties (such as structural, functional, and spatial information, amino acid conservation, physicochemical variation, residue mobility, and thermodynamic stability) has been performed for this missense variant. However, the output from this modeling did not meet the statistical confidence thresholds required to predict the impact of this variant on BRCA2 protein function. In summary, the available evidence is currently insufficient to determine the role of this variant in disease. Therefore, it has been classified as a Variant of Uncertain Significance.

Quest Diagnostics Nichols Institute San Juan Capistrano
Classification: Pathogenic. Last evaluated: 2025-06-26. Review status: criteria provided, single submitter. Criteria: Quest Diagnostics criteria. Collection method: clinical testing. Allele origin: unknown. Not counted in ClinVar's aggregate classification.
Comment: The BRCA2 c.7795G>A (p.Glu2599Lys) variant has been reported in the published literature in individuals with breast cancer (PMIDs: 25971625 (2015), 33471991 (2021)) and prostate cancer (PMID: 21952622 (2011)), and in compound heterozygosity with a frameshift BRCA2 variant in a Fanconi anemia patient (PMID: 23285130 (2012)). This variant showed damaging/likely pathogenic effects in saturation genome editing assays measuring DNA repair-dependent cell survival (PMIDs: 39779848 (2025), 39779857 (2025)). his variant has not been reported in large, multi-ethnic general populations (Genome Aggregation Database). Analysis of this variant using bioinformatics tools for the prediction of the effect of amino acid changes on protein structure and function yielded predictions that this variant is damaging. Based on the available information, this variant is classified as pathogenic.

Ambry Genetics
Classification: Likely pathogenic for Hereditary cancer-predisposing syndrome. Last evaluated: 2025-03-04. Review status: criteria provided, single submitter. Criteria: Ambry Variant Classification Scheme 2023. Collection method: clinical testing. Allele origin: germline. Not counted in ClinVar's aggregate classification.
Comment: The p.E2599K variant (also known as c.7795G>A), located in coding exon 15 of the BRCA2 gene, results from a G to A substitution at nucleotide position 7795. The glutamic acid at codon 2599 is replaced by lysine, an amino acid with similar properties. This alteration has been reported in the literature in individuals diagnosed with prostate cancer (Kote-Jarai et al. Br J Cancer. 2011 Oct 11;105(8):1230-4) and triple negative breast cancer (Muendlein A et al J Cancer Res Clin Oncol. 2015 Nov;141(11):2005-12). In addition, the variant was detected in conjunction with another pathogenic mutation in the BRCA2 gene in an individual affected with Fanconi Anemia, although phase was not reported (Knies K et al. PLoS One. 2012;7(12):e52648). Furthermore, this alteration was non-functional in a homology directed DNA repair assay (Ambry internal data). This amino acid position is highly conserved in available vertebrate species. In addition, this alteration is predicted to be deleterious by in silico analysis. This variant is considered to be rare based on population cohorts in the Genome Aggregation Database (gnomAD). Based on the majority of available evidence to date, this variant is likely to be pathogenic. However, because this variant is identified in one or more patients with Fanconi anemia it may be hypomorphic and thus, carriers of this variant and their families may present with reduced risks, and not with the typical clinical characteristics of a high-risk pathogenic BRCA2 alteration. As risk estimates are unknown at this time, clinical correlation is advised.

GeneDx
Classification: Uncertain significance. Last evaluated: 2022-04-08. Review status: criteria provided, single submitter. Criteria: GeneDx Variant Classification Process June 2021. Collection method: clinical testing. Allele origin: germline. Affected: yes. Not counted in ClinVar's aggregate classification.
Comment: Not observed at significant frequency in large population cohorts (gnomAD); In silico analysis supports that this missense variant does not alter protein structure/function; Observed with a second BRCA2 variant, phase (cis or trans) not confirmed, in an individual with Fanconi anemia in published literature (Knies 2012); Observed in individuals with a personal history of prostate cancer or breast cancer in published literature (Kote-Jarai 2011, Muendlein 2015); Also known as 8023G>A; This variant is associated with the following publications: (PMID: 21952622, 25971625, 12228710, 23285130)

Literature cited by the submitters: PubMed 21952622 (cited by 4 submitters); PubMed 25971625 (cited by 3 submitters); PubMed 23285130 (cited by 4 submitters); PubMed 38417439 (cited by Women's Health and Genetics/Laboratory Corporation of America, LabCorp); PubMed 40857049 (cited by Women's Health and Genetics/Laboratory Corporation of America, LabCorp); PubMed 39779848 (cited by Quest Diagnostics Nichols Institute San Juan Capistrano); PubMed 39779857 (cited by Quest Diagnostics Nichols Institute San Juan Capistrano).

NM_000059.4(BRCA2):c.7795G>A (p.Glu2599Lys)

Gene: BRCA2 (BRCA2 DNA repair associated; plus strand). Cytogenetic location: 13q13.1.
Variant type: single nucleotide variant.
Coding change: c.7795G>A on transcript NM_000059.4 (MANE Select); coding-DNA position 7795, G replaced by A.
Protein change: p.Glu2599Lys; replaces glutamic acid 2599 with lysine.
Molecular consequence: missense variant.
Genome position (GRCh38, 1-based): chr13:32,357,919, G>A. VCF-style: chr13-32357919-G-A. GRCh37 (hg19) VCF-style: chr13-32932056-G-A.
Other names: NM_000059.4(BRCA2):c.7795G>A; p.Glu2599Lys; short protein forms E2599K.
Identifiers: ClinVar variation 231552 (VCV000231552.19), dbSNP rs41293509, ClinGen allele CA10579756.
Genomic context (GRCh38, chr13:32,357,919, plus strand): 5'-ATACAGTTGGCTGATGGTGGATGGCTCATACCCTCCAATGATGGAAAGGCTGGAAAAGAA[G>A]AATTTTATAGGTACTCTATGCAAAAAGATTGTGTGTTAACTTTTATGTATTCCCTCATCC-3'
Protein context (NP_000050.3, residues 2589-2609): PSNDGKAGKE[Glu2599Lys]FYRALCDTPG